The following is an entry in ClinVar:

NM_006659.4(TUBGCP2):c.1509G>A (p.Leu503=)

Gene: TUBGCP2 (tubulin gamma complex component 2; minus strand). Cytogenetic location: 10q26.3.
Variant type: single nucleotide variant.
Coding change: c.1509G>A on transcript NM_006659.4 (MANE Select); coding-DNA position 1509, G replaced by A.
Protein change: p.Leu503=; no amino-acid change (leucine 503 retained).
Molecular consequence: synonymous variant. On other transcripts: non-coding transcript variant (1).
Genome position (GRCh38, 1-based): chr10:133,288,872, C>T on the plus strand (G>A on the coding strand, the complement: TUBGCP2 is on the minus strand). VCF-style: chr10-133288872-C-T. GRCh37 (hg19) VCF-style: chr10-135102376-C-T.
Other names: c.1593G>A, p.Leu531= (NM_001256617.2); c.1119G>A, p.Leu373= (NM_001256618.2).
Identifiers: ClinVar variation 3390264 (VCV003390264.14).

ClinVar aggregate classification (germline): Likely benign (1 of 4 stars; one submission).

gnomAD v4.1: 1 of 1,613,476 alleles (0.000062%); highest among the groups gnomAD compares: Non-Finnish European, 0.000085%; no homozygotes.

Submission:

CeGaT Center for Human Genetics Tuebingen
Classification: Likely benign. Last evaluated: 2024-12-01. Review status: criteria provided, single submitter. Criteria: CeGaT Center For Human Genetics Tuebingen Variant Classification Criteria Version 2. Collection method: clinical testing. Allele origin: germline. Affected: yes. Observed: 1 variant allele.
Comment: TUBGCP2: BP4, BP7